The following is an entry in ClinVar:

ClinVar aggregate classification (germline): Uncertain significance (1 of 4 stars; one submission).

Allele frequency attached by ClinVar (database versions not stated): gnomAD exomes below 0.00001.
gnomAD v4.1: 2 of 1,613,808 alleles (0.00012%); highest among the groups gnomAD compares: Non-Finnish European, 0.00017%; no homozygotes.

Submission:

Labcorp Genetics (formerly Invitae), Labcorp
Classification: Uncertain significance. Last evaluated: 2022-11-01. Review status: criteria provided, single submitter. Criteria: Invitae Variant Classification Sherloc (09022015). Collection method: clinical testing. Allele origin: germline.
Comment: This sequence change replaces valine, which is neutral and non-polar, with leucine, which is neutral and non-polar, at codon 5626 of the HMCN1 protein (p.Val5626Leu). This variant is not present in population databases (gnomAD no frequency). In summary, the available evidence is currently insufficient to determine the role of this variant in disease. Therefore, it has been classified as a Variant of Uncertain Significance. Algorithms developed to predict the effect of missense changes on protein structure and function are either unavailable or do not agree on the potential impact of this missense change (SIFT: "Deleterious"; PolyPhen-2: "Possibly Damaging"; Align-GVGD: "Class C0"). This variant has not been reported in the literature in individuals affected with HMCN1-related conditions.

NM_031935.3(HMCN1):c.16876G>C (p.Val5626Leu)

Gene: HMCN1 (hemicentin 1; plus strand). Cytogenetic location: 1q31.1.
Variant type: single nucleotide variant.
Coding change: c.16876G>C on transcript NM_031935.3 (MANE Select); coding-DNA position 16876, G replaced by C.
Protein change: p.Val5626Leu; replaces valine 5626 with leucine.
Molecular consequence: missense variant.
Genome position (GRCh38, 1-based): chr1:186,189,846, G>C. VCF-style: chr1-186189846-G-C. GRCh37 (hg19) VCF-style: chr1-186158978-G-C.
Other names: short protein forms V5626L.
Identifiers: ClinVar variation 1927328 (VCV001927328.5), dbSNP rs2528307065, ClinGen allele CA343907441.